The following is an entry in ClinVar:

NM_000548.5(TSC2):c.600-14_600-8del

Gene: TSC2 (TSC complex subunit 2; plus strand). Cytogenetic location: 16p13.3.
Variant type: Deletion.
Coding change: c.600-14_600-8del on transcript NM_000548.5 (MANE Select); 14 bases into the intron before coding-DNA position 600 through 8 bases into the intron before coding-DNA position 600, 7 bases deleted (GGTGCTC; older notation c.600-14_600-8delGGTGCTC).
Molecular consequence: intron variant.
Genome position (GRCh38, 1-based): chr16:2,056,182-2,056,188, GGTGCTC deleted; deleting any 7 consecutive bases within chr16:2,056,178-2,056,188 gives the same sequence; the c. name uses the placement nearest the transcript's 3' end. VCF-style (leftmost placement, unchanged base first): chr16-2056177-AGCTCGGT-A. GRCh37 (hg19) VCF-style: chr16-2106178-AGCTCGGT-A.
Other names: c.-15_-9delGGTGCTC (NM_001406680.1, NM_001406683.1, NM_001406687.1); c.-846_-840delGGTGCTC (NM_001406693.1); c.600-14_600-8del (NM_001114382.3, NM_021055.3, NM_001370405.1 and 3 more transcripts); c.489-14_489-8del (NM_001318827.2); c.-1-14_-1-8del (NM_001318831.2); c.453-14_453-8del (NM_001318829.2); c.633-14_633-8del (NM_001318832.2).
Identifiers: ClinVar variation 1997114 (VCV001997114.4), dbSNP rs2548449174, ClinGen allele CA2580090686.

ClinVar aggregate classification (germline): Uncertain significance (1 of 4 stars; one submission).

Conditions:
Tuberous sclerosis 2 (TSC2). Identifiers: Orphanet 805, MedGen C1860707, MONDO:0013199, OMIM 613254.

Submission:

Labcorp Genetics (formerly Invitae), Labcorp
Classification: Uncertain significance for Tuberous sclerosis 2. Last evaluated: 2022-05-20. Review status: criteria provided, single submitter. Criteria: Invitae Variant Classification Sherloc (09022015). Collection method: clinical testing. Allele origin: germline.
Comment: This sequence change falls in intron 6 of the TSC2 gene. It does not directly change the encoded amino acid sequence of the TSC2 protein. This variant is not present in population databases (gnomAD no frequency). This variant has not been reported in the literature in individuals affected with TSC2-related conditions. Algorithms developed to predict the effect of sequence changes on RNA splicing suggest that this variant may disrupt the consensus splice site. In summary, the available evidence is currently insufficient to determine the role of this variant in disease. Therefore, it has been classified as a Variant of Uncertain Significance.